The following is an entry in ClinVar:

ClinVar aggregate classification (germline): Likely pathogenic (1 of 4 stars; one submission).

Conditions:
HYPERHOMOCYSTEINEMIA, THROMBOTIC, CBS-RELATED. Identifiers: MedGen C3150344, OMIM 236200.

Submission:

Labcorp Genetics (formerly Invitae), Labcorp
Classification: Likely pathogenic for HYPERHOMOCYSTEINEMIA, THROMBOTIC, CBS-RELATED. Last evaluated: 2022-11-29. Review status: criteria provided, single submitter. Criteria: Invitae Variant Classification Sherloc (09022015). Collection method: clinical testing. Allele origin: germline.
Comment: This variant is not present in population databases (gnomAD no frequency). This sequence change replaces glycine, which is neutral and non-polar, with valine, which is neutral and non-polar, at codon 307 of the CBS protein (p.Gly307Val). In summary, the currently available evidence indicates that the variant is pathogenic, but additional data are needed to prove that conclusively. Therefore, this variant has been classified as Likely Pathogenic. This variant disrupts the p.Gly307 amino acid residue in CBS. Other variant(s) that disrupt this residue have been determined to be pathogenic (PMID: 7506602, 7581402, 8744616, 9889017, 20506325, 22267502). This suggests that this residue is clinically significant, and that variants that disrupt this residue are likely to be disease-causing. Advanced modeling of protein sequence and biophysical properties (such as structural, functional, and spatial information, amino acid conservation, physicochemical variation, residue mobility, and thermodynamic stability) performed at Invitae indicates that this missense variant is expected to disrupt CBS protein function. This variant has not been reported in the literature in individuals affected with CBS-related conditions.

Literature cited by the submitters: PubMed 7506602; PubMed 7581402; PubMed 8744616; PubMed 9889017; PubMed 20506325; PubMed 22267502.

NM_000071.3(CBS):c.920G>T (p.Gly307Val)

Gene: CBS (cystathionine beta-synthase; minus strand). Cytogenetic location: 21q22.3.
Variant type: single nucleotide variant.
Coding change: c.920G>T on transcript NM_000071.3 (MANE Select); coding-DNA position 920, G replaced by T.
Protein change: p.Gly307Val; replaces glycine 307 with valine.
Molecular consequence: missense variant.
Genome position (GRCh38, 1-based): chr21:43,062,987, C>A on the plus strand (G>T on the coding strand, the complement: CBS is on the minus strand). VCF-style: chr21-43062987-C-A. GRCh37 (hg19) VCF-style: chr21-44483097-C-A.
Other names: c.920G>T, p.Gly307Val (NM_001178008.3, NM_001178009.3, NM_001320298.2); c.605G>T, p.Gly202Val (NM_001321072.1); short protein forms G202V, G307V.
Identifiers: ClinVar variation 2740024 (VCV002740024.3), dbSNP rs2517428448, ClinGen allele CA410600000.
Genomic context (GRCh38, chr21:43,062,987, plus strand): 5'-GTGGCCGGGCTCTGGACTCGACCTACCGTCCTGTCCAGCACCGTGGGGATGAAGTCGTAG[C>A]CGATCCCTTCCACCTCGTAGGTTGTCTGCTCCGTCTGGTTCAGCTCCTCCGGCTCTGCGA-3'
Protein context (NP_000062.1, residues 297-317): EQTTYEVEGI[Gly307Val]YDFIPTVLDR